The following is an entry in ClinVar:

NM_144573.4(NEXN):c.370G>A (p.Glu124Lys)

Genes: NEXN (nexilin F-actin binding protein; plus strand), LOC126805765 (BRD4-independent group 4 enhancer GRCh37_chr1:78383688-78384887; plus strand). Cytogenetic location: 1p31.1.
Variant type: single nucleotide variant.
Coding change: c.370G>A on transcript NM_144573.4 (MANE Select); coding-DNA position 370, G replaced by A.
Protein change: p.Glu124Lys; replaces glutamic acid 124 with lysine.
Molecular consequence: missense variant.
Genome position (GRCh38, 1-based): chr1:77,918,196, G>A. VCF-style: chr1-77918196-G-A. GRCh37 (hg19) VCF-style: chr1-78383881-G-A.
Other names: c.178G>A, p.Glu60Lys (NM_001172309.2); short protein forms E124K, E60K.
Identifiers: ClinVar variation 451638 (VCV000451638.14), dbSNP rs372745590, ClinGen allele CA918626.

ClinVar aggregate classification (germline): Uncertain significance. Review status: criteria provided, multiple submitters, no conflicts (2 of 4 stars). 6 submissions from 5 submitters: Uncertain significance (6). Last evaluated 2026-06-16.

Conditions:
Dilated cardiomyopathy 1CC (CMD1CC). Identifiers: Orphanet 154, MedGen C2751084, MONDO:0013147, OMIM 613122.
NEXN-related disorder. Also called: NEXN-related disorders; NEXN-related condition.
Cardiovascular phenotype. Identifiers: MedGen CN230736.
Hypertrophic cardiomyopathy 20. Identifiers: MedGen C3151267, MONDO:0013477, OMIM 613876.

Allele frequency attached by ClinVar (database versions not stated): gnomAD 0.00004 and 0.00003; gnomAD exomes 0.00004 and 0.00001; ESP Exome Variant Server 0.00017; ExAC 0.00002; TOPMed 0.00003.
gnomAD v4.1: 72 of 1,613,920 alleles (0.0045%); highest among the groups gnomAD compares: Non-Finnish European, 0.0057%; 1 homozygote.

Submissions (6):

PreventionGenetics, part of Exact Sciences
Classification: Uncertain significance for NEXN-related condition. Last evaluated: 2026-06-16. Review status: criteria provided, single submitter. Criteria: ACMG Guidelines, 2015. Collection method: clinical testing. Allele origin: germline.
Comment: The NEXN c.370G>A variant is predicted to result in the amino acid substitution p.Glu124Lys. This variant has been reported in a sudden unexplained death cohort (Table S3, Lin et al. 2017. PubMed ID: 29247119). This variant has also been reported in the compound heterozygous state in an individual with severe neonatal-onset dilated cardiomyopathy (Thornton et al. 2023. DOI 10.1016/j.gimo.2023.100620). This variant is reported in 0.0023% of alleles in individuals of European (Non-Finnish) descent in gnomAD. At this time, the clinical significance of this variant is uncertain due to the absence of conclusive functional and genetic evidence.

Labcorp Genetics (formerly Invitae), Labcorp
Classification: Uncertain significance for Dilated cardiomyopathy 1CC; Hypertrophic cardiomyopathy 20. Last evaluated: 2025-08-08. Review status: criteria provided, single submitter. Criteria: Invitae Variant Classification Sherloc (09022015). Collection method: clinical testing. Allele origin: germline.
Comment: This sequence change replaces glutamic acid, which is acidic and polar, with lysine, which is basic and polar, at codon 124 of the NEXN protein (p.Glu124Lys). This variant is present in population databases (rs372745590, gnomAD 0.004%). This missense change has been observed in individual(s) with sudden unexplained death (PMID: 29247119). ClinVar contains an entry for this variant (Variation ID: 451638). Invitae Evidence Modeling of protein sequence and biophysical properties (such as structural, functional, and spatial information, amino acid conservation, physicochemical variation, residue mobility, and thermodynamic stability) has been performed for this missense variant. However, the output from this modeling did not meet the statistical confidence thresholds required to predict the impact of this variant on NEXN protein function. In summary, the available evidence is currently insufficient to determine the role of this variant in disease. Therefore, it has been classified as a Variant of Uncertain Significance.

Ambry Genetics
Classification: Uncertain significance for Cardiovascular phenotype. Last evaluated: 2024-05-06. Review status: criteria provided, single submitter. Criteria: Ambry Variant Classification Scheme 2023. Collection method: clinical testing. Allele origin: germline.
Comment: The p.E124K variant (also known as c.370G>A), located in coding exon 4 of the NEXN gene, results from a G to A substitution at nucleotide position 370. The glutamic acid at codon 124 is replaced by lysine, an amino acid with similar properties. This variant has been detected in a sudden death cohort (Lin Y et al. Circ Cardiovasc Genet. 2017 Dec;10(6)). This amino acid position is highly conserved in available vertebrate species. In addition, the in silico prediction for this alteration is inconclusive. Since supporting evidence is limited at this time, the clinical significance of this alteration remains unclear.

Baylor Genetics
Classification: Uncertain significance for Hypertrophic cardiomyopathy 20. Last evaluated: 2022-10-29. Review status: criteria provided, single submitter. Criteria: ACMG Guidelines, 2015. Collection method: clinical testing. Allele origin: unknown.

Baylor Genetics
Classification: Uncertain significance for Dilated cardiomyopathy 1CC. Last evaluated: 2022-10-29. Review status: criteria provided, single submitter. Criteria: ACMG Guidelines, 2015. Collection method: clinical testing. Allele origin: unknown.

GeneDx
Classification: Uncertain significance. Last evaluated: 2017-08-25. Review status: criteria provided, single submitter. Criteria: GeneDx Variant Classification (06012015). Collection method: clinical testing. Allele origin: germline. Affected: yes.
Comment: A variant of uncertain significance has been identified in the NEXN gene. The E124K variant has not been published as pathogenic or been reported as benign to our knowledge. This variant is not observed at a significant frequency in large population cohorts (Lek et al., 2016; 1000 Genomes Consortium et al., 2015; Exome Variant Server). The E124K variant is a non-conservative amino acid substitution, which is likely to impact secondary protein structure as these residues differ in polarity, charge, size and/or other properties. This substitution occurs at a position that is conserved across species, and in silico analysis suggests that this variant is probably damaging to the protein structure/function. However, this variant lacks observation in a significant number of affected individuals, segregation data, and functional evidence, which would further clarify its pathogenicity.

Literature cited by the submitters: PubMed 29247119 (cited by Labcorp Genetics (formerly Invitae), Labcorp).